The following is an entry in ClinVar:

ClinVar aggregate classification (germline): Conflicting classifications of pathogenicity. Review status: criteria provided, conflicting classifications (1 of 4 stars). 7 submissions from 5 submitters: Uncertain significance (6); Likely benign (1). Last evaluated 2026-01-01.

Conditions:
Hereditary spherocytosis type 3. Also called: SPTA1-Related Spherocytosis; Spherocytosis type 3. Identifiers: Orphanet 822, MedGen C2678338, MONDO:0010053, OMIM 270970.
Pyropoikilocytosis, hereditary. Also called: Pyropoikilocytosis. Identifiers: MedGen C0520739, MONDO:0009948, OMIM 266140, HP:0004839. Disease mechanism: loss of function.
Elliptocytosis 2 (EL2). Also called: ELLIPTOCYTOSIS, RHESUS-UNLINKED TYPE. Identifiers: Orphanet 288, MedGen C1851741, MONDO:0007533, OMIM 130600.

Allele frequency attached by ClinVar (database versions not stated): ESP Exome Variant Server 0.00025; gnomAD 0.00031 and 0.00032; TOPMed 0.00031; ExAC 0.00032; gnomAD exomes 0.00039 and 0.00053.
gnomAD v4.1: 831 of 1,613,960 alleles (0.051%); highest among the groups gnomAD compares: Non-Finnish European, 0.063%; no homozygotes.

Submissions (7):

CeGaT Center for Human Genetics Tuebingen
Classification: Uncertain significance. Last evaluated: 2026-01-01. Review status: criteria provided, single submitter. Criteria: CeGaT Center For Human Genetics Tuebingen Variant Classification Criteria Version 2. Collection method: clinical testing. Allele origin: germline. Affected: yes. Observed: 1 variant allele.
Comment: SPTA1: PM2, BP4

Mayo Clinic Laboratories, Mayo Clinic
Classification: Uncertain significance. Last evaluated: 2025-10-28. Review status: criteria provided, single submitter. Criteria: ACMG Guidelines, 2015. Collection method: clinical testing. Allele origin: germline. Observed: 1 variant allele.

Labcorp Genetics (formerly Invitae), Labcorp
Classification: Uncertain significance. Last evaluated: 2025-09-29. Review status: criteria provided, single submitter. Criteria: Invitae Variant Classification Sherloc (09022015). Collection method: clinical testing. Allele origin: germline.
Comment: This sequence change falls in intron 14 of the SPTA1 gene. It does not directly change the encoded amino acid sequence of the SPTA1 protein. It affects a nucleotide within the consensus splice site. This variant is present in population databases (rs370697955, gnomAD 0.06%). This variant has not been reported in the literature in individuals affected with SPTA1-related conditions. ClinVar contains an entry for this variant (Variation ID: 873914). Variants that disrupt the consensus splice site are a relatively common cause of aberrant splicing (PMID: 17576681, 9536098). Algorithms developed to predict the effect of sequence changes on RNA splicing suggest that this variant is not likely to affect RNA splicing. In summary, the available evidence is currently insufficient to determine the role of this variant in disease. Therefore, it has been classified as a Variant of Uncertain Significance.

Blueprint Genetics
Classification: Likely benign. Last evaluated: 2024-04-15. Review status: criteria provided, single submitter. Criteria: ACMG Guidelines, 2015. Collection method: clinical testing. Allele origin: germline.

Illumina Laboratory Services, Illumina
Classification: Uncertain significance for Pyropoikilocytosis, hereditary. Last evaluated: 2018-01-12. Review status: criteria provided, single submitter. Criteria: ICSL Variant Classification Criteria 13 December 2019. Collection method: clinical testing. Allele origin: germline.

Illumina Laboratory Services, Illumina
Classification: Uncertain significance for Elliptocytosis 2. Last evaluated: 2018-01-12. Review status: criteria provided, single submitter. Criteria: ICSL Variant Classification Criteria 13 December 2019. Collection method: clinical testing. Allele origin: germline.

Illumina Laboratory Services, Illumina
Classification: Uncertain significance for Hereditary spherocytosis type 3. Last evaluated: 2018-01-12. Review status: criteria provided, single submitter. Criteria: ICSL Variant Classification Criteria 13 December 2019. Collection method: clinical testing. Allele origin: germline.

Literature cited by the submitters: PubMed 17576681 (cited by Labcorp Genetics (formerly Invitae), Labcorp); PubMed 9536098 (cited by Labcorp Genetics (formerly Invitae), Labcorp).

NM_003126.4(SPTA1):c.1833+4G>A

Gene: SPTA1 (spectrin alpha, erythrocytic 1; minus strand). Cytogenetic location: 1q23.1.
Variant type: single nucleotide variant.
Coding change: c.1833+4G>A on transcript NM_003126.4 (MANE Select); 4 bases into the intron after coding-DNA position 1833, G replaced by A.
Molecular consequence: intron variant.
Genome position (GRCh38, 1-based): chr1:158,669,404, C>T on the plus strand (G>A on the coding strand, the complement: SPTA1 is on the minus strand). VCF-style: chr1-158669404-C-T. GRCh37 (hg19) VCF-style: chr1-158639194-C-T.
Other names: p.?.
Identifiers: ClinVar variation 873914 (VCV000873914.11), dbSNP rs370697955, ClinGen allele CA1183617.